The following is an entry in ClinVar:

NM_015466.4(PTPN23):c.3943G>C (p.Ala1315Pro)

Gene: PTPN23 (protein tyrosine phosphatase non-receptor type 23; plus strand). Cytogenetic location: 3p21.31.
Variant type: single nucleotide variant.
Coding change: c.3943G>C on transcript NM_015466.4 (MANE Select); coding-DNA position 3943, G replaced by C.
Protein change: p.Ala1315Pro; replaces alanine 1315 with proline.
Molecular consequence: missense variant.
Genome position (GRCh38, 1-based): chr3:47,411,837, G>C. VCF-style: chr3-47411837-G-C. GRCh37 (hg19) VCF-style: chr3-47453327-G-C.
Other names: c.3565G>C, p.Ala1189Pro (NM_001304482.2); short protein forms A1189P, A1315P.
Identifiers: ClinVar variation 1359732 (VCV001359732.3), dbSNP rs1576233117, ClinGen allele CA352564710.

ClinVar aggregate classification (germline): Uncertain significance (1 of 4 stars; one submission).

Submission:

Labcorp Genetics (formerly Invitae), Labcorp
Classification: Uncertain significance. Last evaluated: 2021-11-09. Review status: criteria provided, single submitter. Criteria: Invitae Variant Classification Sherloc (09022015). Collection method: clinical testing. Allele origin: germline.
Comment: This sequence change replaces alanine, which is neutral and non-polar, with proline, which is neutral and non-polar, at codon 1315 of the PTPN23 protein (p.Ala1315Pro). This variant is not present in population databases (gnomAD no frequency). This variant has not been reported in the literature in individuals affected with PTPN23-related conditions. Algorithms developed to predict the effect of missense changes on protein structure and function output the following: SIFT: "Tolerated"; PolyPhen-2: "Benign"; Align-GVGD: "Class C0". The proline amino acid residue is found in multiple mammalian species, which suggests that this missense change does not adversely affect protein function. In summary, the available evidence is currently insufficient to determine the role of this variant in disease. Therefore, it has been classified as a Variant of Uncertain Significance.